The following is an entry in ClinVar:

NM_020320.5(RARS2):c.294A>C (p.Thr98=)

Gene: RARS2 (arginyl-tRNA synthetase 2, mitochondrial; minus strand). Cytogenetic location: 6q15.
Variant type: single nucleotide variant.
Coding change: c.294A>C on transcript NM_020320.5 (MANE Select); coding-DNA position 294, A replaced by C.
Protein change: p.Thr98=; no amino-acid change (threonine 98 retained).
Molecular consequence: synonymous variant. On other transcripts: 5 prime UTR variant (7), non-coding transcript variant (23).
Genome position (GRCh38, 1-based): chr6:87,562,705, T>G on the plus strand (A>C on the coding strand, the complement: RARS2 is on the minus strand). VCF-style: chr6-87562705-T-G. GRCh37 (hg19) VCF-style: chr6-88272423-T-G.
Other names: c.-176A>C (NM_001318785.2, NM_001350509.2); c.294A>C, p.Thr98= (NM_001350505.2); c.-232A>C (NM_001350506.2, NM_001350507.2, NM_001350510.2 and 1 more transcripts); c.-394A>C (NM_001350508.2).
Identifiers: ClinVar variation 511373 (VCV000511373.1), dbSNP rs1237155881, ClinGen allele CA451160485.

ClinVar aggregate classification (germline): Likely benign (1 of 4 stars; one submission).

Allele frequency attached by ClinVar (database versions not stated): gnomAD exomes below 0.00001.
gnomAD v4.1: 1 of 1,601,694 alleles (0.000062%); highest among the groups gnomAD compares: Non-Finnish European, 0.000086%; no homozygotes.

Submission:

GeneDx
Classification: Likely benign. Last evaluated: 2017-08-23. Review status: criteria provided, single submitter. Criteria: GeneDx Variant Classification (06012015). Collection method: clinical testing. Allele origin: germline. Affected: yes.
Comment: This variant is considered likely benign or benign based on one or more of the following criteria: it is a conservative change, it occurs at a poorly conserved position in the protein, it is predicted to be benign by multiple in silico algorithms, and/or has population frequency not consistent with disease.